The following is an entry in ClinVar:

NM_033026.6(PCLO):c.7103G>A (p.Gly2368Asp)

Gene: PCLO (piccolo presynaptic cytomatrix protein; minus strand). Cytogenetic location: 7q21.11.
Variant type: single nucleotide variant.
Coding change: c.7103G>A on transcript NM_033026.6 (MANE Select); coding-DNA position 7103, G replaced by A.
Protein change: p.Gly2368Asp; replaces glycine 2368 with aspartic acid.
Molecular consequence: missense variant.
Genome position (GRCh38, 1-based): chr7:82,953,850, C>T on the plus strand (G>A on the coding strand, the complement: PCLO is on the minus strand). VCF-style: chr7-82953850-C-T. GRCh37 (hg19) VCF-style: chr7-82583166-C-T.
Other names: c.7103G>A, p.Gly2368Asp (NM_014510.3); short protein forms G2368D.
Identifiers: ClinVar variation 1416405 (VCV001416405.6), dbSNP rs2116442964, ClinGen allele CA367917681.

ClinVar aggregate classification (germline): Uncertain significance (1 of 4 stars; one submission).

Allele frequency attached by ClinVar (database versions not stated): gnomAD exomes below 0.00001.
gnomAD v4.1: 1 of 1,613,402 alleles (0.000062%); highest among the groups gnomAD compares: East Asian, 0.0022%; no homozygotes.

Submission:

Labcorp Genetics (formerly Invitae), Labcorp
Classification: Uncertain significance. Last evaluated: 2021-09-15. Review status: criteria provided, single submitter. Criteria: Invitae Variant Classification Sherloc (09022015). Collection method: clinical testing. Allele origin: germline.
Comment: In summary, the available evidence is currently insufficient to determine the role of this variant in disease. Therefore, it has been classified as a Variant of Uncertain Significance. Algorithms developed to predict the effect of missense changes on protein structure and function output the following: SIFT: "Tolerated"; PolyPhen-2: "Not Available"; Align-GVGD: "Class C0". The aspartic acid amino acid residue is found in multiple mammalian species, which suggests that this missense change does not adversely affect protein function. This variant has not been reported in the literature in individuals affected with PCLO-related conditions. This variant is not present in population databases (ExAC no frequency). This sequence change replaces glycine with aspartic acid at codon 2368 of the PCLO protein (p.Gly2368Asp). The glycine residue is moderately conserved and there is a moderate physicochemical difference between glycine and aspartic acid.